The following is an entry in ClinVar:

ClinVar aggregate classification (germline): Conflicting classifications of pathogenicity. Review status: criteria provided, conflicting classifications (1 of 4 stars). 2 submissions from 2 submitters: Uncertain significance (1); Likely benign (1). Last evaluated 2022-06-05.

gnomAD v4.1: 1 of 1,593,664 alleles (0.000063%); no homozygotes.

Submissions (2):

Labcorp Genetics (formerly Invitae), Labcorp
Classification: Uncertain significance. Last evaluated: 2022-06-05. Review status: criteria provided, single submitter. Criteria: Invitae Variant Classification Sherloc (09022015). Collection method: clinical testing. Allele origin: germline.
Comment: In summary, the available evidence is currently insufficient to determine the role of this variant in disease. Therefore, it has been classified as a Variant of Uncertain Significance. Algorithms developed to predict the effect of missense changes on protein structure and function output the following: SIFT: "Tolerated"; PolyPhen-2: "Benign"; Align-GVGD: "Class C0". The serine amino acid residue is found in multiple mammalian species, which suggests that this missense change does not adversely affect protein function. ClinVar contains an entry for this variant (Variation ID: 1426192). This variant has not been reported in the literature in individuals affected with RECQL-related conditions. This variant is not present in population databases (gnomAD no frequency). This sequence change replaces alanine, which is neutral and non-polar, with serine, which is neutral and polar, at codon 67 of the RECQL protein (p.Ala67Ser).

Ambry Genetics
Classification: Likely benign. Last evaluated: 2020-09-09. Review status: criteria provided, single submitter. Criteria: Ambry Variant Classification Scheme 2023. Collection method: clinical testing. Allele origin: germline.

NM_002907.4(RECQL):c.199G>T (p.Ala67Ser)

Gene: RECQL (RecQ like helicase; minus strand). Cytogenetic location: 12p12.1.
Variant type: single nucleotide variant.
Coding change: c.199G>T on transcript NM_002907.4 (MANE Select); coding-DNA position 199, G replaced by T.
Protein change: p.Ala67Ser; replaces alanine 67 with serine.
Molecular consequence: missense variant.
Genome position (GRCh38, 1-based): chr12:21,491,534, C>A on the plus strand (G>T on the coding strand, the complement: RECQL is on the minus strand). VCF-style: chr12-21491534-C-A. GRCh37 (hg19) VCF-style: chr12-21644468-C-A.
Other names: c.199G>T, p.Ala67Ser (NM_032941.3); short protein forms A67S.
Identifiers: ClinVar variation 1426192 (VCV001426192.9), dbSNP rs754016839, ClinGen allele CA384134115.
Genomic context (GRCh38, chr12:21,491,534, plus strand): 5'-ATGAGAAGAAATAAAACTAGCAAAAAAAAAAAAAAAAAAGTTAACCTTCTTTATTCCAAG[C>A]GGCAGGTGAAGAATCATATTCATTGCTTGCCCCGGCATCAGAATCCTCTAAACACTGCTT-3'
Protein context (NP_002898.2, residues 57-77): ASNEYDSSPA[Ala67Ser]WNKEDFPWSG